The following is an entry in ClinVar:

ClinVar aggregate classification (germline): Uncertain significance (1 of 4 stars; one submission).

Conditions:
Hyperphosphatasia with intellectual disability syndrome 5 (GPIBD11). Also called: GLYCOSYLPHOSPHATIDYLINOSITOL BIOSYNTHESIS DEFECT 11. Identifiers: Orphanet 247262, MedGen C4014958, MONDO:0014457, OMIM 616025.

Allele frequency attached by ClinVar (database versions not stated): gnomAD exomes below 0.00001.
gnomAD v4.1: 1 of 1,614,208 alleles (0.000062%); highest among the groups gnomAD compares: Non-Finnish European, 0.000085%; no homozygotes.

Submission:

Labcorp Genetics (formerly Invitae), Labcorp
Classification: Uncertain significance for Hyperphosphatasia with intellectual disability syndrome 5. Last evaluated: 2022-07-05. Review status: criteria provided, single submitter. Criteria: Invitae Variant Classification Sherloc (09022015). Collection method: clinical testing. Allele origin: germline.
Comment: In summary, the available evidence is currently insufficient to determine the role of this variant in disease. Therefore, it has been classified as a Variant of Uncertain Significance. Algorithms developed to predict the effect of missense changes on protein structure and function are either unavailable or do not agree on the potential impact of this missense change (SIFT: "Tolerated"; PolyPhen-2: "Probably Damaging"; Align-GVGD: "Class C0"). This variant has not been reported in the literature in individuals affected with PIGW-related conditions. This variant is not present in population databases (gnomAD no frequency). This sequence change replaces leucine, which is neutral and non-polar, with proline, which is neutral and non-polar, at codon 39 of the PIGW protein (p.Leu39Pro).

NM_001346754.2(PIGW):c.116T>C (p.Leu39Pro)

Genes: MYO19 (myosin XIX; minus strand), PIGW (phosphatidylinositol glycan anchor biosynthesis class W; plus strand). Cytogenetic location: 17q12.
Variant type: single nucleotide variant.
Coding change: c.116T>C on transcript NM_001346754.2 (MANE Select); coding-DNA position 116, T replaced by C.
Protein change: p.Leu39Pro; replaces leucine 39 with proline.
Molecular consequence: missense variant.
Genome position (GRCh38, 1-based): chr17:36,537,217, T>C. VCF-style: chr17-36537217-T-C. GRCh37 (hg19) VCF-style: chr17-34893066-T-C.
Other names: c.116T>C, p.Leu39Pro (NM_001346755.2, NM_178517.5); short protein forms L39P.
Identifiers: ClinVar variation 2040846 (VCV002040846.4), dbSNP rs2510226007, ClinGen allele CA399161798.